The following is an entry in ClinVar:

NM_000321.3(RB1):c.931C>T (p.Leu311Phe)

Gene: RB1 (RB transcriptional corepressor 1; plus strand). Cytogenetic location: 13q14.2.
Variant type: single nucleotide variant.
Coding change: c.931C>T on transcript NM_000321.3 (MANE Select); coding-DNA position 931, C replaced by T.
Protein change: p.Leu311Phe; replaces leucine 311 with phenylalanine.
Molecular consequence: missense variant.
Genome position (GRCh38, 1-based): chr13:48,364,963, C>T. VCF-style: chr13-48364963-C-T. GRCh37 (hg19) VCF-style: chr13-48939099-C-T.
Other names: c.931C>T, p.Leu311Phe (NM_001407165.1, NM_001407166.1); short protein forms L311F.
Identifiers: ClinVar variation 2837259 (VCV002837259.4), dbSNP rs1952680793, ClinGen allele CA388160075.
Genomic context (GRCh38, chr13:48,364,963, plus strand): 5'-GTTTATTTCAAAAATTTTATACCTTTTATGAATTCTCTTGGACTTGTAACATCTAATGGA[C>T]TTCCAGAGGTAATCTGAAAGGAAATTTAATAAAATATTAATGTTTTGAGACTGTGGAGGG-3'
Protein context (NP_000312.2, residues 301-321): NSLGLVTSNG[Leu311Phe]PEVENLSKRY

ClinVar aggregate classification (germline): Uncertain significance. Review status: criteria provided, multiple submitters, no conflicts (2 of 4 stars). 2 submissions from 2 submitters: Uncertain significance (2). Last evaluated 2023-11-20.

Conditions:
Retinoblastoma (RB1). Also called: RETINOBLASTOMA, SOMATIC. Identifiers: Orphanet 790, MedGen C0035335, MeSH D012175, MONDO:0008380, OMIM 180200, HP:0009919. Disease mechanism: loss of function. Inheritance: Both sporadic and heritable forms are tested..

Submissions (2):

All of Us Research Program, National Institutes of Health
Classification: Uncertain significance for Retinoblastoma. Last evaluated: 2023-11-20. Review status: criteria provided, single submitter. Criteria: ACMG Guidelines, 2015. Collection method: clinical testing. Allele origin: germline. Inheritance: Autosomal dominant inheritance. Observed: 1 variant allele, 1 heterozygote.
Comment: This missense variant replaces leucine with phenylalanine at codon 311 of the RB1 protein. Computational prediction suggests that this variant may not impact protein structure and function (internally defined REVEL score threshold <= 0.5, PMID: 27666373). To our knowledge, functional studies have not been reported for this variant. This variant has not been reported in individuals affected with RB1-related disorders in the literature. This variant has not been identified in the general population by the Genome Aggregation Database (gnomAD). The available evidence is insufficient to determine the role of this variant in disease conclusively. Therefore, this variant is classified as a Variant of Uncertain Significance.

This study involves interpretation of variants in research participants for the purpose of population health screening. Participant phenotype was not available at the time of variant classification. Additional details can be found in publication PMID: 35346344, PMCID: PMC8962531

Labcorp Genetics (formerly Invitae), Labcorp
Classification: Uncertain significance for Retinoblastoma. Last evaluated: 2023-02-28. Review status: criteria provided, single submitter. Criteria: Invitae Variant Classification Sherloc (09022015). Collection method: clinical testing. Allele origin: germline.
Comment: This sequence change replaces leucine, which is neutral and non-polar, with phenylalanine, which is neutral and non-polar, at codon 311 of the RB1 protein (p.Leu311Phe). This variant is not present in population databases (gnomAD no frequency). This variant has not been reported in the literature in individuals affected with RB1-related conditions. Advanced modeling of protein sequence and biophysical properties (such as structural, functional, and spatial information, amino acid conservation, physicochemical variation, residue mobility, and thermodynamic stability) performed at Invitae indicates that this missense variant is not expected to disrupt RB1 protein function. In summary, the available evidence is currently insufficient to determine the role of this variant in disease. Therefore, it has been classified as a Variant of Uncertain Significance.